The following is an entry in ClinVar:

ClinVar aggregate classification (germline): Benign (1 of 4 stars; one submission).

Allele frequency attached by ClinVar (database versions not stated): gnomAD 0.43964 and 0.44769; TOPMed 0.44686; 1000 Genomes Project 30x 0.50468; 1000 Genomes Project 0.51378.
gnomAD v4.1: 68,054 of 152,004 alleles (45%); highest among the groups gnomAD compares: East Asian, 76%; 15,864 homozygotes.

Submission:

GeneDx
Classification: Benign. Last evaluated: 2018-06-14. Review status: criteria provided, single submitter. Criteria: GeneDx Variant Classification (06012015). Collection method: clinical testing. Allele origin: germline. Affected: yes.
Comment: This variant is considered likely benign or benign based on one or more of the following criteria: it is a conservative change, it occurs at a poorly conserved position in the protein, it is predicted to be benign by multiple in silico algorithms, and/or has population frequency not consistent with disease.

NM_144670.6(A2ML1):c.2712+186C>G

Gene: A2ML1 (alpha-2-macroglobulin like 1; plus strand). Cytogenetic location: 12p13.31.
Variant type: single nucleotide variant.
Coding change: c.2712+186C>G on transcript NM_144670.6 (MANE Select); 186 bases into the intron after coding-DNA position 2712, C replaced by G.
Molecular consequence: intron variant.
Genome position (GRCh38, 1-based): chr12:8,854,435, C>G. VCF-style: chr12-8854435-C-G. GRCh37 (hg19) VCF-style: chr12-9007031-C-G.
Other names: c.1239+186C>G (NM_001282424.3).
Identifiers: ClinVar variation 561555 (VCV000561555.1), dbSNP rs10734735, ClinGen allele CA13642184.